The following is an entry in ClinVar:

NM_001352754.2(ARMC9):c.1873C>G (p.Leu625Val)

Gene: ARMC9 (armadillo repeat containing 9; plus strand). Cytogenetic location: 2q37.1.
Variant type: single nucleotide variant.
Coding change: c.1873C>G on transcript NM_001352754.2 (MANE Select); coding-DNA position 1873, C replaced by G.
Protein change: p.Leu625Val; replaces leucine 625 with valine.
Molecular consequence: missense variant. On other transcripts: non-coding transcript variant (1), intron variant (1).
Genome position (GRCh38, 1-based): chr2:231,331,892, C>G. VCF-style: chr2-231331892-C-G. GRCh37 (hg19) VCF-style: chr2-232196604-C-G.
Other names: c.1873C>G, p.Leu625Val (NM_001271466.4, NM_001291656.2, NM_001352755.2 and 2 more transcripts); c.1774C>G, p.Leu592Val (NM_001352757.2, NM_001352758.2); c.1774-13083C>G (NM_001352759.2); short protein forms L592V, L625V.
Identifiers: ClinVar variation 2133818 (VCV002133818.1), dbSNP rs2469960319, ClinGen allele CA350963521.
Genomic context (GRCh38, chr2:231,331,892, plus strand): 5'-GAACTGATCCAGCCCCAGCTCGGAGAACTCTCAGGAGAGAAGCTTCTGACCACGGAGTAC[C>G]TGGGGGTAAGTGCCACACAAAGGGTGGGGATCCTGAAACAGAAAGGCCAGATGGACATTG-3'
Protein context (NP_001339683.2, residues 615-635): SGEKLLTTEY[Leu625Val]GIMTNTGKTR

ClinVar aggregate classification (germline): Uncertain significance (1 of 4 stars; one submission).

Allele frequency attached by ClinVar (database versions not stated): gnomAD exomes 0.00001.
gnomAD v4.1: 3 of 1,611,508 alleles (0.00019%); highest among the groups gnomAD compares: Admixed American, 0.0017%; no homozygotes.

Submission:

Labcorp Genetics (formerly Invitae), Labcorp
Classification: Uncertain significance. Last evaluated: 2022-05-04. Review status: criteria provided, single submitter. Criteria: Invitae Variant Classification Sherloc (09022015). Collection method: clinical testing. Allele origin: germline.
Comment: This sequence change replaces leucine, which is neutral and non-polar, with valine, which is neutral and non-polar, at codon 625 of the ARMC9 protein (p.Leu625Val). This variant is not present in population databases (gnomAD no frequency). This variant has not been reported in the literature in individuals affected with ARMC9-related conditions. Experimental studies and prediction algorithms are not available or were not evaluated, and the functional significance of this variant is currently unknown. In summary, the available evidence is currently insufficient to determine the role of this variant in disease. Therefore, it has been classified as a Variant of Uncertain Significance.